The following is an entry in ClinVar:

ClinVar aggregate classification (germline): Uncertain significance. Review status: criteria provided, multiple submitters, no conflicts (2 of 4 stars). 2 submissions from 2 submitters: Uncertain significance (2). Last evaluated 2026-05-17.

Conditions:
Dyskeratosis congenita. Identifiers: Orphanet 1775, MedGen C0265965, MONDO:0015780.
Idiopathic Pulmonary Fibrosis. Also called: Idiopathic fibrosing alveolitis, chronic form; idiopathic fibrosing alveolitis. Identifiers: Orphanet 2032, MedGen C1800706, MeSH D054990, MONDO:0800504.
Dyskeratosis congenita, autosomal dominant 2. Identifiers: MedGen C3151443, MONDO:0013521, OMIM 613989.

Submissions (2):

Ambry Genetics
Classification: Uncertain significance for Dyskeratosis congenita. Last evaluated: 2026-05-17. Review status: criteria provided, single submitter. Criteria: Ambry Variant Classification Scheme 2023. Collection method: clinical testing. Allele origin: germline.
Comment: The p.E893Q variant (also known as c.2677G>C), located in coding exon 11 of the TERT gene, results from a G to C substitution at nucleotide position 2677. The glutamic acid at codon 893 is replaced by glutamine, an amino acid with highly similar properties. This amino acid position is conserved. In addition, this alteration is predicted to be tolerated by in silico analysis. Based on the available evidence, the clinical significance of this variant remains unclear.

Labcorp Genetics (formerly Invitae), Labcorp
Classification: Uncertain significance for Dyskeratosis congenita, autosomal dominant 2; Idiopathic Pulmonary Fibrosis. Last evaluated: 2020-07-27. Review status: criteria provided, single submitter. Criteria: Invitae Variant Classification Sherloc (09022015). Collection method: clinical testing. Allele origin: germline.
Comment: This sequence change replaces glutamic acid with glutamine at codon 893 of the TERT protein (p.Glu893Gln). The glutamic acid residue is moderately conserved and there is a small physicochemical difference between glutamic acid and glutamine. This variant is not present in population databases (ExAC no frequency). In summary, the available evidence is currently insufficient to determine the role of this variant in disease. Therefore, it has been classified as a Variant of Uncertain Significance. Advanced modeling of protein sequence and biophysical properties (such as structural, functional, and spatial information, amino acid conservation, physicochemical variation, residue mobility, and thermodynamic stability) performed at Invitae indicates that this missense variant is expected to disrupt TERT protein function. This variant has not been reported in the literature in individuals with TERT-related conditions.

NM_198253.3(TERT):c.2677G>C (p.Glu893Gln)

Gene: TERT (telomerase reverse transcriptase; minus strand). Cytogenetic location: 5p15.33.
Variant type: single nucleotide variant.
Coding change: c.2677G>C on transcript NM_198253.3 (MANE Select); coding-DNA position 2677, G replaced by C.
Protein change: p.Glu893Gln; replaces glutamic acid 893 with glutamine.
Molecular consequence: missense variant. On other transcripts: intron variant (1).
Genome position (GRCh38, 1-based): chr5:1,264,570, C>G on the plus strand (G>C on the coding strand, the complement: TERT is on the minus strand). VCF-style: chr5-1264570-C-G. GRCh37 (hg19) VCF-style: chr5-1264685-C-G.
Other names: c.2654+1894G>C (NM_001193376.3); c.2677G>C (NM_198253.2); short protein forms E893Q.
Identifiers: ClinVar variation 1055343 (VCV001055343.10), dbSNP rs2126595355, ClinGen allele CA359072375.